The following is an entry in ClinVar:

NM_006231.4(POLE):c.2051A>T (p.His684Leu)

Gene: POLE (DNA polymerase epsilon, catalytic subunit; minus strand). Cytogenetic location: 12q24.33.
Variant type: single nucleotide variant.
Coding change: c.2051A>T on transcript NM_006231.4 (MANE Select); coding-DNA position 2051, A replaced by T.
Protein change: p.His684Leu; replaces histidine 684 with leucine.
Molecular consequence: missense variant.
Genome position (GRCh38, 1-based): chr12:132,668,478, T>A on the plus strand (A>T on the coding strand, the complement: POLE is on the minus strand). VCF-style: chr12-132668478-T-A. GRCh37 (hg19) VCF-style: chr12-133245064-T-A.
Other names: c.2051A>T (NM_006231.2); short protein forms H684L.
Identifiers: ClinVar variation 576137 (VCV000576137.9), dbSNP rs369127106, ClinGen allele CA387354345.

ClinVar aggregate classification (germline): Uncertain significance. Review status: criteria provided, multiple submitters, no conflicts (2 of 4 stars). 2 submissions from 2 submitters: Uncertain significance (2). Last evaluated 2025-08-20.

Conditions:
Hereditary cancer-predisposing syndrome. Also called: Tumor predisposition; Hereditary neoplastic syndrome; Hereditary Cancer Syndrome; Neoplastic Syndromes, Hereditary. Identifiers: Orphanet 140162, MedGen C0027672, MeSH D009386, MONDO:0015356.

Submissions (2):

Ambry Genetics
Classification: Uncertain significance for Hereditary cancer-predisposing syndrome. Last evaluated: 2025-08-20. Review status: criteria provided, single submitter. Criteria: Ambry Variant Classification Scheme 2023. Collection method: clinical testing. Allele origin: germline.
Comment: The p.H684L variant (also known as c.2051A>T), located in coding exon 19 of the POLE gene, results from an A to T substitution at nucleotide position 2051. The histidine at codon 684 is replaced by leucine, an amino acid with similar properties. This amino acid position is conserved. In addition, the in silico prediction for this alteration is inconclusive. Based on the available evidence, the clinical significance of this variant remains unclear.

Labcorp Genetics (formerly Invitae), Labcorp
Classification: Uncertain significance. Last evaluated: 2022-09-15. Review status: criteria provided, single submitter. Criteria: Invitae Variant Classification Sherloc (09022015). Collection method: clinical testing. Allele origin: germline.
Comment: Advanced modeling of protein sequence and biophysical properties (such as structural, functional, and spatial information, amino acid conservation, physicochemical variation, residue mobility, and thermodynamic stability) performed at Invitae indicates that this missense variant is not expected to disrupt POLE protein function. In summary, the available evidence is currently insufficient to determine the role of this variant in disease. Therefore, it has been classified as a Variant of Uncertain Significance. ClinVar contains an entry for this variant (Variation ID: 576137). This variant has not been reported in the literature in individuals affected with POLE-related conditions. This variant is not present in population databases (gnomAD no frequency). This sequence change replaces histidine, which is basic and polar, with leucine, which is neutral and non-polar, at codon 684 of the POLE protein (p.His684Leu).